The following is an entry in ClinVar:

NC_000001.10:g.(?_40542494)_(40546179_?)del

Gene: PPT1 (palmitoyl-protein thioesterase 1; minus strand). Cytogenetic location: 1p34.2.
Variant type: Deletion.
Identifiers: ClinVar variation 3247751 (VCV003247751.1).

ClinVar aggregate classification (germline): Pathogenic (1 of 4 stars; one submission).

Conditions:
Neuronal ceroid lipofuscinosis 1 (CLN1). Also called: CEROID LIPOFUSCINOSIS, NEURONAL, 1, VARIABLE AGE AT ONSET; PPT1-Related Neuronal Ceroid-Lipofuscinosis. Identifiers: Orphanet 228329, MedGen C1850451, MONDO:0009744, OMIM 256730.

Submission:

Labcorp Genetics (formerly Invitae), Labcorp
Classification: Pathogenic for Neuronal ceroid lipofuscinosis 1. Last evaluated: 2023-09-25. Review status: criteria provided, single submitter. Criteria: Invitae Variant Classification Sherloc (09022015). Collection method: clinical testing. Allele origin: unknown.
Comment: This variant is a gross deletion of the genomic region encompassing exon(s) 6-8 of the PPT1 gene. While this deletion is not anticipated to lead to nonsense mediated decay, it is expected to disrupt the C-terminus of the protein. This variant has not been reported in the literature in individuals affected with PPT1-related conditions. This variant disrupts a region of the PPT1 protein in which other variant(s) (p.Trp296*) have been determined to be pathogenic (PMID: 9664077). This suggests that this is a clinically significant region of the protein, and that variants that disrupt it are likely to be disease-causing. For these reasons, this variant has been classified as Pathogenic.

Literature cited by the submitters: PubMed 9664077.